The following is an entry in ClinVar:

ClinVar aggregate classification (germline): Conflicting classifications of pathogenicity. Review status: criteria provided, conflicting classifications (1 of 4 stars). 4 submissions from 4 submitters: Likely pathogenic (1); Uncertain significance (3). Last evaluated 2024-12-04.

Conditions:
Charcot-Marie-Tooth disease X-linked dominant 6. Also called: CHARCOT-MARIE-TOOTH NEUROPATHY, X-LINKED DOMINANT, 6. Identifiers: Orphanet 352675, MedGen C3806702, MONDO:0010479, OMIM 300905.

Submissions (4):

GeneDx
Classification: Likely pathogenic. Last evaluated: 2024-12-04. Review status: criteria provided, single submitter. Criteria: GeneDx Variant Classification Process June 2021. Collection method: clinical testing. Allele origin: germline. Affected: yes.
Comment: Not observed at significant frequency in large population cohorts (gnomAD); In silico analysis supports that this missense variant has a deleterious effect on protein structure/function; This variant is associated with the following publications: (PMID: 33726816, 37849068, 37273706)

MGZ Medical Genetics Center
Classification: Uncertain significance for Charcot-Marie-Tooth disease X-linked dominant 6. Last evaluated: 2022-03-24. Review status: criteria provided, single submitter. Criteria: ACMG Guidelines, 2015. Collection method: clinical testing. Allele origin: germline. Affected: yes. Observed: 1 variant allele.
Comment: ACMG criteria applied: PS4_SUP, PM2_SUP, PP3

Labcorp Genetics (formerly Invitae), Labcorp
Classification: Uncertain significance for Charcot-Marie-Tooth disease X-linked dominant 6. Last evaluated: 2021-10-06. Review status: criteria provided, single submitter. Criteria: Invitae Variant Classification Sherloc (09022015). Collection method: clinical testing. Allele origin: germline.
Comment: In summary, the available evidence is currently insufficient to determine the role of this variant in disease. Therefore, it has been classified as a Variant of Uncertain Significance. Algorithms developed to predict the effect of missense changes on protein structure and function (SIFT, PolyPhen-2, Align-GVGD) all suggest that this variant is likely to be disruptive. This sequence change replaces arginine with histidine at codon 162 of the PDK3 protein (p.Arg162His). The arginine residue is highly conserved and there is a small physicochemical difference between arginine and histidine. This variant is not present in population databases (ExAC no frequency). This variant has not been reported in the literature in individuals affected with PDK3-related conditions.

CeGaT Center for Human Genetics Tuebingen
Classification: Uncertain significance. Last evaluated: 2019-05-01. Review status: criteria provided, single submitter. Criteria: CeGaT Center For Human Genetics Tuebingen Variant Classification Criteria Version 2. Collection method: clinical testing. Allele origin: germline. Affected: yes. Observed: 1 variant allele.

NM_005391.5(PDK3):c.485G>A (p.Arg162His)

Gene: PDK3 (pyruvate dehydrogenase kinase 3; plus strand). Cytogenetic location: Xp22.11.
Variant type: single nucleotide variant.
Coding change: c.485G>A on transcript NM_005391.5 (MANE Select); coding-DNA position 485, G replaced by A.
Protein change: p.Arg162His; replaces arginine 162 with histidine.
Molecular consequence: missense variant.
Genome position (GRCh38, 1-based): chrX:24,503,491, G>A. VCF-style: chrX-24503491-G-A. GRCh37 (hg19) VCF-style: chrX-24521608-G-A.
Other names: c.485G>A, p.Arg162His (NM_001142386.3); short protein forms R162H.
Identifiers: ClinVar variation 810537 (VCV000810537.50), dbSNP rs867468579, ClinGen allele CA412605485.
Genomic context (GRCh38, chrX:24,503,491, plus strand): 5'-TCATTAGCACTAACATCCAATATTTTCTGGATCGGTTTTATACCAACCGCATCTCTTTCC[G>A]CATGCTTATTAATCAGCACAGTAAGTTGGAGTTTGTTGGTCCAGTTTTGAAAAGGTAACC-3'
Protein context (NP_005382.1, residues 152-172): DRFYTNRISF[Arg162His]MLINQHTLLF